The following is an entry in ClinVar:

NM_001267550.2(TTN):c.96159T>G (p.Ile32053Met)

Genes: TTN (titin; minus strand), TTN-AS1 (TTN antisense RNA 1; plus strand), LOC126806421 (CDK7 strongly-dependent group 2 enhancer GRCh37_chr2:179407630-179408829; plus strand). Cytogenetic location: 2q31.2.
Variant type: single nucleotide variant.
Coding change: c.96159T>G on transcript NM_001267550.2 (MANE Select); coding-DNA position 96159, T replaced by G.
Protein change: p.Ile32053Met; replaces isoleucine 32053 with methionine.
Molecular consequence: missense variant.
Genome position (GRCh38, 1-based): chr2:178,543,985, A>C on the plus strand (T>G on the coding strand, the complement: TTN is on the minus strand). VCF-style: chr2-178543985-A-C. GRCh37 (hg19) VCF-style: chr2-179408712-A-C.
Other names: p.Ile30412Met; c.91236T>G, p.Ile30412Met (NM_001256850.1); c.68964T>G, p.Ile22988Met (NM_003319.4); c.88455T>G, p.Ile29485Met (NM_133378.4); c.69339T>G, p.Ile23113Met (NM_133432.3); c.69540T>G, p.Ile23180Met (NM_133437.4); short protein forms I32053M, I29485M, I22988M, I23113M, I23180M, I30412M.
Identifiers: ClinVar variation 598665 (VCV000598665.6), dbSNP rs906167122, ClinGen allele CA60970374.
Genomic context (GRCh38, chr2:178,543,985, plus strand): 5'-GTCCACTATTAGCAATGAGTAGCTCTCAGTGGTGTCAATAATTGCCCGGCTTGCAAGGTC[A>C]ATGCCCTGCTTGCTCCACGTTATGACAGGAGGTGGTCTTCCAGATACAGACACCATCAAG-3'
Protein context (NP_001254479.2, residues 32043-32063): PPVITWSKQG[Ile32053Met]DLASRAIIDT

ClinVar aggregate classification (germline): Uncertain significance. Review status: criteria provided, multiple submitters, no conflicts (2 of 4 stars). 2 submissions from 2 submitters: Uncertain significance (2). Last evaluated 2024-05-09.

Allele frequency attached by ClinVar (database versions not stated): TOPMed below 0.00001; gnomAD 0.00001; gnomAD exomes 0.00001.
gnomAD v4.1: 8 of 1,613,538 alleles (0.0005%); highest among the groups gnomAD compares: Non-Finnish European, 0.00068%; no homozygotes.

Submissions (2):

Mayo Clinic Laboratories, Mayo Clinic
Classification: Uncertain significance. Last evaluated: 2024-05-09. Review status: criteria provided, single submitter. Criteria: ACMG Guidelines, 2015. Collection method: clinical testing. Allele origin: germline. Observed: 1 variant allele.
Comment: BP4, PM2

Eurofins Ntd Llc (ga)
Classification: Uncertain significance. Last evaluated: 2018-09-11. Review status: criteria provided, single submitter. Criteria: EGL ClinVar v180209 classification definitions. Collection method: clinical testing. Allele origin: germline. Observed: 1 variant allele, 1 heterozygote.